The following is an entry in ClinVar:

NM_001025616.3(ARHGAP24):c.2134G>A (p.Glu712Lys)

Gene: ARHGAP24 (Rho GTPase activating protein 24; plus strand). Cytogenetic location: 4q21.3.
Variant type: single nucleotide variant.
Coding change: c.2134G>A on transcript NM_001025616.3 (MANE Select); coding-DNA position 2134, G replaced by A.
Protein change: p.Glu712Lys; replaces glutamic acid 712 with lysine.
Molecular consequence: missense variant.
Genome position (GRCh38, 1-based): chr4:86,000,609, G>A. VCF-style: chr4-86000609-G-A. GRCh37 (hg19) VCF-style: chr4-86921762-G-A.
Other names: c.1849G>A, p.Glu617Lys (NM_001042669.2); c.1879G>A, p.Glu627Lys (NM_001287805.2); c.1555G>A, p.Glu519Lys (NM_001346093.2); c.1855G>A, p.Glu619Lys (NM_031305.3); c.2134G>A (NM_001025616.2); short protein forms E617K, E619K, E519K, E627K, E712K.
Identifiers: ClinVar variation 2087930 (VCV002087930.5), dbSNP rs768703185, ClinGen allele CA2994903.

ClinVar aggregate classification (germline): Uncertain significance. Review status: criteria provided, multiple submitters, no conflicts (2 of 4 stars). 2 submissions from 2 submitters: Uncertain significance (2). Last evaluated 2025-12-03.

Allele frequency attached by ClinVar (database versions not stated): gnomAD 0.00001; ExAC 0.00002.
gnomAD v4.1: 2 of 1,613,842 alleles (0.00012%); highest among the groups gnomAD compares: African/African-American, 0.0027%; no homozygotes.

Submissions (2):

Ambry Genetics
Classification: Uncertain significance. Last evaluated: 2025-12-03. Review status: criteria provided, single submitter. Criteria: Ambry Variant Classification Scheme 2023. Collection method: clinical testing. Allele origin: germline.

Labcorp Genetics (formerly Invitae), Labcorp
Classification: Uncertain significance. Last evaluated: 2021-12-16. Review status: criteria provided, single submitter. Criteria: Invitae Variant Classification Sherloc (09022015). Collection method: clinical testing. Allele origin: germline.
Comment: This sequence change replaces glutamic acid, which is acidic and polar, with lysine, which is basic and polar, at codon 712 of the ARHGAP24 protein (p.Glu712Lys). This variant is present in population databases (rs768703185, gnomAD 0.007%). This variant has not been reported in the literature in individuals affected with ARHGAP24-related conditions. Algorithms developed to predict the effect of missense changes on protein structure and function are either unavailable or do not agree on the potential impact of this missense change (SIFT: "Deleterious"; PolyPhen-2: "Possibly Damaging"; Align-GVGD: "Class C0"). In summary, the available evidence is currently insufficient to determine the role of this variant in disease. Therefore, it has been classified as a Variant of Uncertain Significance.